The following is an entry in ClinVar:

ClinVar aggregate classification (germline): Benign/Likely benign. Review status: criteria provided, multiple submitters, no conflicts (2 of 4 stars). 5 submissions from 5 submitters: Benign (2); Likely benign (2). 1 of the submissions does not count toward it. Last evaluated 2025-12-01.

Conditions:
MED13L-related disorder. Also called: MED13L-related condition.
Dextro-looped transposition of the great arteries. Also called: Dextrotransposition of the great arteries. Identifiers: Orphanet 860, MedGen C3531771, MONDO:0019443, OMIM 608808, HP:0031348.

Allele frequency attached by ClinVar (database versions not stated): gnomAD exomes 0.00072; ExAC 0.00075; ESP Exome Variant Server 0.00231; 1000 Genomes Project 30x 0.00281; gnomAD 0.00284; 1000 Genomes Project 0.00300; TOPMed 0.00354.
gnomAD v4.1: 861 of 1,613,830 alleles (0.053%); highest among the groups gnomAD compares: African/African-American, 0.99%; 5 homozygotes.

Submissions (5):

CeGaT Center for Human Genetics Tuebingen
Classification: Likely benign. Last evaluated: 2025-12-01. Review status: criteria provided, single submitter. Criteria: CeGaT Center For Human Genetics Tuebingen Variant Classification Criteria Version 2. Collection method: clinical testing. Allele origin: germline. Affected: yes. Observed: 5 variant alleles.
Comment: MED13L: BP4, BS1

Labcorp Genetics (formerly Invitae), Labcorp
Classification: Benign for Dextro-looped transposition of the great arteries. Last evaluated: 2025-10-12. Review status: criteria provided, single submitter. Criteria: Invitae Variant Classification Sherloc (09022015). Collection method: clinical testing. Allele origin: germline.

Blueprint Genetics
Classification: Likely benign. Last evaluated: 2024-09-04. Review status: criteria provided, single submitter. Criteria: ACMG Guidelines, 2015. Collection method: clinical testing. Allele origin: germline.

GeneDx
Classification: Benign. Last evaluated: 2018-12-10. Review status: criteria provided, single submitter. Criteria: GeneDx Variant Classification Process June 2021. Collection method: clinical testing. Allele origin: germline. Affected: yes.

PreventionGenetics, part of Exact Sciences
Classification: Benign for MED13L-related condition. Last evaluated: 2019-08-13. Review status: no assertion criteria provided. Collection method: clinical testing. Allele origin: germline. Not counted in ClinVar's aggregate classification.
Comment: This variant is classified as benign based on ACMG/AMP sequence variant interpretation guidelines (Richards et al. 2015 PMID: 25741868, with internal and published modifications).

NM_015335.5(MED13L):c.1095G>A (p.Ser365=)

Gene: MED13L (mediator complex subunit 13L; minus strand). Cytogenetic location: 12q24.21.
Variant type: single nucleotide variant.
Coding change: c.1095G>A on transcript NM_015335.5 (MANE Select); coding-DNA position 1095, G replaced by A.
Protein change: p.Ser365=; no amino-acid change (serine 365 retained).
Molecular consequence: synonymous variant.
Genome position (GRCh38, 1-based): chr12:116,015,189, C>T on the plus strand (G>A on the coding strand, the complement: MED13L is on the minus strand). VCF-style: chr12-116015189-C-T. GRCh37 (hg19) VCF-style: chr12-116452994-C-T.
Identifiers: ClinVar variation 695675 (VCV000695675.41), dbSNP rs144327790, ClinGen allele CA6811501.